The following is an entry in ClinVar:

NM_020433.5(JPH2):c.299C>T (p.Ser100Leu)

Gene: JPH2 (junctophilin 2; minus strand). Cytogenetic location: 20q13.12.
Variant type: single nucleotide variant.
Coding change: c.299C>T on transcript NM_020433.5 (MANE Select); coding-DNA position 299, C replaced by T.
Protein change: p.Ser100Leu; replaces serine 100 with leucine.
Molecular consequence: missense variant.
Genome position (GRCh38, 1-based): chr20:44,186,407, G>A on the plus strand (C>T on the coding strand, the complement: JPH2 is on the minus strand). VCF-style: chr20-44186407-G-A. GRCh37 (hg19) VCF-style: chr20-42815047-G-A.
Other names: c.299C>T, p.Ser100Leu (NM_175913.4); short protein forms S100L.
Identifiers: ClinVar variation 432845 (VCV000432845.21), dbSNP rs145401873, ClinGen allele CA315352144.

ClinVar aggregate classification (germline): Conflicting classifications of pathogenicity. Review status: criteria provided, conflicting classifications (1 of 4 stars). 6 submissions from 6 submitters: Uncertain significance (5); Likely benign (1). Last evaluated 2026-02-27.

Conditions:
Cardiovascular phenotype. Identifiers: MedGen CN230736.
Cardiomyopathy, dilated, 2E. Identifiers: MedGen C5561970, MONDO:0030366, OMIM 619492.
Hypertrophic cardiomyopathy 17. Identifiers: MedGen C3151264, MONDO:0013474, OMIM 613873.
JPH2-related disorder. Also called: JPH2-related condition.
Hypertrophic cardiomyopathy. Also called: HYPERTROPHIC MYOCARDIOPATHY. Identifiers: Orphanet 217569, MedGen C0007194, MeSH D002312, MONDO:0005045, HP:0001639.

Allele frequency attached by ClinVar (database versions not stated): gnomAD exomes below 0.00001; gnomAD 0.00003 and 0.00004; TOPMed 0.00006; ESP Exome Variant Server 0.00008.

Submissions (6):

PreventionGenetics, part of Exact Sciences
Classification: Uncertain significance for JPH2-related condition. Last evaluated: 2026-02-27. Review status: criteria provided, single submitter. Criteria: ACMG Guidelines, 2015. Collection method: clinical testing. Allele origin: germline.
Comment: The JPH2 c.299C>T variant is predicted to result in the amino acid substitution p.Ser100Leu. To our knowledge, this variant has not been reported in the literature. This variant is reported in 0.0062% of alleles in individuals of African descent in gnomAD. At this time, the clinical significance of this variant is uncertain due to the absence of conclusive functional and genetic evidence.

Dasa
Classification: Uncertain significance. Last evaluated: 2025-09-19. Review status: criteria provided, single submitter. Criteria: DASA Assertion Criteria. Collection method: clinical testing. Allele origin: germline.
Comment: NM_020433.5(JPH2):c.299C>T (p.Ser100Leu) is a missense variant that results in the substitution of serine with leucine. This variant is rare in population databases. Computational prediction algorithms are consistent with a benign effect. The currently available literature and clinical evidence are not sufficient to establish a definitive association between this variant and the reported condition. Therefore, this variant is classified as a variant of uncertain significance.

Labcorp Genetics (formerly Invitae), Labcorp
Classification: Uncertain significance for Hypertrophic cardiomyopathy. Last evaluated: 2025-07-04. Review status: criteria provided, single submitter. Criteria: Invitae Variant Classification Sherloc (09022015). Collection method: clinical testing. Allele origin: germline.
Comment: This sequence change replaces serine, which is neutral and polar, with leucine, which is neutral and non-polar, at codon 100 of the JPH2 protein (p.Ser100Leu). This variant is present in population databases (rs145401873, gnomAD no frequency). This variant has not been reported in the literature in individuals affected with JPH2-related conditions. ClinVar contains an entry for this variant (Variation ID: 432845). An algorithm developed to predict the effect of missense changes on protein structure and function (PolyPhen-2) suggests that this variant is likely to be tolerated. In summary, the available evidence is currently insufficient to determine the role of this variant in disease. Therefore, it has been classified as a Variant of Uncertain Significance.

Ambry Genetics
Classification: Likely benign for Cardiovascular phenotype. Last evaluated: 2024-06-26. Review status: criteria provided, single submitter. Criteria: Ambry Variant Classification Scheme 2023. Collection method: clinical testing. Allele origin: germline.

GeneDx
Classification: Uncertain significance. Last evaluated: 2022-05-27. Review status: criteria provided, single submitter. Criteria: GeneDx Variant Classification Process June 2021. Collection method: clinical testing. Allele origin: germline. Affected: yes.
Comment: Not observed at significant frequency in large population cohorts (gnomAD); In silico analysis supports that this missense variant does not alter protein structure/function; Has not been previously published as pathogenic or benign to our knowledge; This variant is associated with the following publications: (PMID: 35238659)

Fulgent Genetics
Classification: Uncertain significance for Hypertrophic cardiomyopathy 17; Cardiomyopathy, dilated, 2E. Last evaluated: 2021-09-23. Review status: criteria provided, single submitter. Criteria: ACMG Guidelines, 2015. Collection method: clinical testing. Allele origin: unknown.